The following is an entry in ClinVar:

ClinVar aggregate classification (germline): Uncertain significance (1 of 4 stars; one submission).

Submission:

GeneDx
Classification: Uncertain significance. Last evaluated: 2024-08-20. Review status: criteria provided, single submitter. Criteria: GeneDx Variant Classification Process June 2021. Collection method: clinical testing. Allele origin: germline. Affected: yes.
Comment: Not observed at significant frequency in large population cohorts (gnomAD); In silico analysis supports that this missense variant has a deleterious effect on protein structure/function; Has not been previously published as pathogenic or benign to our knowledge

NM_001205293.3(CACNA1E):c.3823C>G (p.Leu1275Val)

Gene: CACNA1E (calcium voltage-gated channel subunit alpha1 E; plus strand). Cytogenetic location: 1q25.3.
Variant type: single nucleotide variant.
Coding change: c.3823C>G on transcript NM_001205293.3 (MANE Select); coding-DNA position 3823, C replaced by G.
Protein change: p.Leu1275Val; replaces leucine 1275 with valine.
Molecular consequence: missense variant.
Genome position (GRCh38, 1-based): chr1:181,752,234, C>G. VCF-style: chr1-181752234-C-G. GRCh37 (hg19) VCF-style: chr1-181721370-C-G.
Other names: c.3823C>G, p.Leu1275Val (NM_000721.4); c.3766C>G, p.Leu1256Val (NM_001205294.2); short protein forms L1256V, L1275V.
Identifiers: ClinVar variation 3764303 (VCV003764303.1).